The following is an entry in ClinVar:

ClinVar aggregate classification (germline): Likely benign (1 of 4 stars; one submission).

Conditions:
Rubinstein-Taybi syndrome due to CREBBP mutations (RSTS1). Also called: BROAD THUMBS AND GREAT TOES, CHARACTERISTIC FACIES, AND IMPAIRED INTELLECTUAL DEVELOPMENT; RUBINSTEIN SYNDROME; BROAD THUMB-HALLUX SYNDROME; RUBINSTEIN-TAYBI SYNDROME 1, INCOMPLETE; Rubinstein-Taybi syndrome 1; CREBBP-Related Rubinstein-Taybi Syndrome. Identifiers: Orphanet 353277, Orphanet 783, MedGen C4551859, MONDO:0008393, OMIM 180849.

Submission:

Victorian Clinical Genetics Services, Murdoch Childrens Research Institute
Classification: Likely benign for Rubinstein-Taybi syndrome due to CREBBP mutations. Last evaluated: 2020-06-11. Review status: criteria provided, single submitter. Criteria: ACMG Guidelines, 2015. Collection method: clinical testing. Allele origin: germline. Inheritance: Autosomal dominant inheritance. Affected: yes.
Comment: Based on the classification scheme VCGS_Germline_v1.1.1, this variant is classified as Likely Benign. Following criteria are met: 0102 - Loss of function is a known mechanism of disease for this gene. (N) 0107 - This gene is known to be associated with autosomal dominant disease. (N) 0200 - Variant is predicted to result in a missense amino acid change from alanine to proline (exon 4). (N) 0251 - Variant is heterozygous. (N) 0301 - Variant is absent from gnomAD. (P) 0501 - Missense variant consistently predicted to be damaging by multiple in silico tools or highly conserved with a major amino acid change. (P) 0600 - Variant is located in an annotated domain or motif (TAZ zinc finger domain; NCBI, PDB). (N) 0705 - No comparable variants have previous evidence for pathogenicity. (N) 0807 - Variant has not previously been reported in a clinical context. (N) 0905 - No published segregation evidence has been identified for this variant. (N) 1007 - No published functional evidence has been identified for this variant. (N)

NM_004380.3(CREBBP):c.1090G>C (p.Ala364Pro)

Gene: CREBBP (CREB binding lysine acetyltransferase; minus strand). Cytogenetic location: 16p13.3.
Variant type: single nucleotide variant.
Coding change: c.1090G>C on transcript NM_004380.3 (MANE Select); coding-DNA position 1090, G replaced by C.
Protein change: p.Ala364Pro; replaces alanine 364 with proline.
Molecular consequence: missense variant.
Genome position (GRCh38, 1-based): chr16:3,793,512, C>G on the plus strand (G>C on the coding strand, the complement: CREBBP is on the minus strand). VCF-style: chr16-3793512-C-G. GRCh37 (hg19) VCF-style: chr16-3843513-C-G.
Other names: c.1090G>C, p.Ala364Pro (NM_001079846.1); short protein forms A364P.
Identifiers: ClinVar variation 1805543 (VCV001805543.1), dbSNP rs2141285841, ClinGen allele CA394563201.